The following is an entry in ClinVar:

ClinVar aggregate classification (germline): Pathogenic (1 of 4 stars; one submission).

Conditions:
Papillon-Lefèvre syndrome (PALS). Also called: KERATOSIS PALMOPLANTARIS WITH PERIODONTOPATHIA; Papillon-Lefevre Disease. Identifiers: Orphanet 678, MedGen C0030360, MONDO:0009490, OMIM 245000.

Submission:

3billion
Classification: Pathogenic for Papillon-Lefèvre syndrome. Last evaluated: 2022-05-22. Review status: criteria provided, single submitter. Criteria: ACMG Guidelines, 2015. Collection method: clinical testing. Allele origin: germline. Affected: yes. Observed: 1 homozygote.
Comment: The variant is not observed in the gnomAD v2.1.1 dataset. Stop-gained (nonsense): predicted to result in a loss or disruption of normal protein function through nonsense-mediated decay (NMD) or protein truncation. Multiple pathogenic variants are reported downstream of the variant. Therefore, this variant is classified as pathogenic according to the recommendation of ACMG/AMP guideline.

NM_001814.6(CTSC):c.526A>T (p.Lys176Ter)

Gene: CTSC (cathepsin C; minus strand). Cytogenetic location: 11q14.2.
Variant type: single nucleotide variant.
Coding change: c.526A>T on transcript NM_001814.6 (MANE Select); coding-DNA position 526, A replaced by T.
Protein change: p.Lys176Ter; replaces lysine 176 with a stop codon.
Molecular consequence: nonsense.
Genome position (GRCh38, 1-based): chr11:88,309,278, T>A on the plus strand (A>T on the coding strand, the complement: CTSC is on the minus strand). VCF-style: chr11-88309278-T-A. GRCh37 (hg19) VCF-style: chr11-88042446-T-A.
Other names: short protein forms K176*.
Identifiers: ClinVar variation 1687330 (VCV001687330.1), dbSNP rs2496556240, ClinGen allele CA382025344.